The following is an entry in ClinVar:

NM_025179.4(PLXNA2):c.1867G>A (p.Val623Ile)

Gene: PLXNA2 (plexin A2; minus strand). Cytogenetic location: 1q32.2.
Variant type: single nucleotide variant.
Coding change: c.1867G>A on transcript NM_025179.4 (MANE Select); coding-DNA position 1867, G replaced by A.
Protein change: p.Val623Ile; replaces valine 623 with isoleucine.
Molecular consequence: missense variant.
Genome position (GRCh38, 1-based): chr1:208,096,748, C>T on the plus strand (G>A on the coding strand, the complement: PLXNA2 is on the minus strand). VCF-style: chr1-208096748-C-T. GRCh37 (hg19) VCF-style: chr1-208270093-C-T.
Other names: short protein forms V623I.
Identifiers: ClinVar variation 771843 (VCV000771843.35), dbSNP rs150558490, ClinGen allele CA1373706.
Genomic context (GRCh38, chr1:208,096,748, plus strand): 5'-AGAAGCCCCTCATTTGTGGCTCTCATGGCAGATATTTCTTACCTTGATCCAGCGGGATGA[C>T]AGGGACATCCTTGGGCCCAGGTGAGATGCAGATGACCTGGCTCCCGGACACCTGCCCCTC-3'
Protein context (NP_079455.3, residues 613-633): CISPGPKDVP[Val623Ile]IPLDQDWFGL

ClinVar aggregate classification (germline): Likely benign. Review status: criteria provided, multiple submitters, no conflicts (2 of 4 stars). 3 submissions from 3 submitters: Likely benign (3). Last evaluated 2026-01-19.

Allele frequency attached by ClinVar (database versions not stated): 1000 Genomes Project 0.00280; 1000 Genomes Project 30x 0.00297; ExAC 0.00467; gnomAD 0.00488 and 0.00503; gnomAD exomes 0.00509; TOPMed 0.00544; ESP Exome Variant Server 0.00561.
gnomAD v4.1: 10,897 of 1,614,150 alleles (0.68%); highest among the groups gnomAD compares: Admixed American, 0.88%; 58 homozygotes.

Submissions (3):

Labcorp Genetics (formerly Invitae), Labcorp
Classification: Likely benign. Last evaluated: 2026-01-19. Review status: criteria provided, single submitter. Criteria: Invitae Variant Classification Sherloc (09022015). Collection method: clinical testing. Allele origin: germline.

CeGaT Center for Human Genetics Tuebingen
Classification: Likely benign. Last evaluated: 2023-04-01. Review status: criteria provided, single submitter. Criteria: CeGaT Center For Human Genetics Tuebingen Variant Classification Criteria Version 2. Collection method: clinical testing. Allele origin: germline. Affected: yes. Observed: 1 variant allele.
Comment: PLXNA2: BP4, BS2

Breakthrough Genomics
Classification: Likely benign. Review status: criteria provided, single submitter. Criteria: ACMG Guidelines, 2015. Collection method: not provided. Allele origin: germline. Inheritance: Unknown mechanism. Affected: yes.